The following is an entry in ClinVar:

NM_003742.4(ABCB11):c.2343+7A>G

Gene: ABCB11 (ATP binding cassette subfamily B member 11; minus strand). Cytogenetic location: 2q31.1.
Variant type: single nucleotide variant.
Coding change: c.2343+7A>G on transcript NM_003742.4 (MANE Select); 7 bases into the intron after coding-DNA position 2343, A replaced by G.
Molecular consequence: intron variant.
Genome position (GRCh38, 1-based): chr2:168,957,957, T>C on the plus strand (A>G on the coding strand, the complement: ABCB11 is on the minus strand). VCF-style: chr2-168957957-T-C. GRCh37 (hg19) VCF-style: chr2-169814467-T-C.
Identifiers: ClinVar variation 4993293 (VCV004993293.1).

ClinVar aggregate classification (germline): Likely benign (1 of 4 stars; one submission).

Conditions:
ABCB11-related disorder. Also called: ABCB11-related condition.

Submission:

PreventionGenetics, part of Exact Sciences
Classification: Likely benign for ABCB11-related condition. Last evaluated: 2026-07-02. Review status: criteria provided, single submitter. Criteria: ACMG Guidelines, 2015. Collection method: clinical testing. Allele origin: germline.
Comment: This variant is classified as likely benign based on ACMG/AMP sequence variant interpretation guidelines (Richards et al. 2015 PMID: 25741868, with internal and published modifications).